The following is an entry in ClinVar:

ClinVar aggregate classification (germline): Uncertain significance. Review status: criteria provided, multiple submitters, no conflicts (2 of 4 stars). 2 submissions from 2 submitters: Uncertain significance (2). Last evaluated 2025-06-27.

Conditions:
Cardiovascular phenotype. Identifiers: MedGen CN230736.
RASopathy. Also called: Noonan spectrum disorder; rasopathies. Identifiers: Orphanet 536391, MedGen C5555857, MONDO:0021060.

gnomAD v4.1: 5 of 1,613,986 alleles (0.00031%); highest among the groups gnomAD compares: Non-Finnish European, 0.00042%; no homozygotes.

Submissions (2):

Labcorp Genetics (formerly Invitae), Labcorp
Classification: Uncertain significance for RASopathy. Last evaluated: 2025-06-27. Review status: criteria provided, single submitter. Criteria: Invitae Variant Classification Sherloc (09022015). Collection method: clinical testing. Allele origin: germline.
Comment: This sequence change replaces threonine, which is neutral and polar, with arginine, which is basic and polar, at codon 811 of the CBL protein (p.Thr811Arg). This variant is not present in population databases (gnomAD no frequency). This variant has not been reported in the literature in individuals affected with CBL-related conditions. ClinVar contains an entry for this variant (Variation ID: 3827798). Invitae Evidence Modeling of protein sequence and biophysical properties (such as structural, functional, and spatial information, amino acid conservation, physicochemical variation, residue mobility, and thermodynamic stability) indicates that this missense variant is not expected to disrupt CBL protein function with a negative predictive value of 95%. In summary, the available evidence is currently insufficient to determine the role of this variant in disease. Therefore, it has been classified as a Variant of Uncertain Significance.

Ambry Genetics
Classification: Uncertain significance for Cardiovascular phenotype. Last evaluated: 2025-01-03. Review status: criteria provided, single submitter. Criteria: Ambry Variant Classification Scheme 2023. Collection method: clinical testing. Allele origin: germline.
Comment: The p.T811R variant (also known as c.2432C>G), located in coding exon 15 of the CBL gene, results from a C to G substitution at nucleotide position 2432. The threonine at codon 811 is replaced by arginine, an amino acid with similar properties. This amino acid position is conserved. In addition, this alteration is predicted to be tolerated by in silico analysis. Based on the available evidence, the clinical significance of this variant remains unclear.

NM_005188.4(CBL):c.2432C>G (p.Thr811Arg)

Gene: CBL (Cbl proto-oncogene; plus strand). Cytogenetic location: 11q23.3.
Variant type: single nucleotide variant.
Coding change: c.2432C>G on transcript NM_005188.4 (MANE Select); coding-DNA position 2432, C replaced by G.
Protein change: p.Thr811Arg; replaces threonine 811 with arginine.
Molecular consequence: missense variant.
Genome position (GRCh38, 1-based): chr11:119,298,538, C>G. VCF-style: chr11-119298538-C-G. GRCh37 (hg19) VCF-style: chr11-119169248-C-G.
Other names: short protein forms T811R.
Identifiers: ClinVar variation 3827798 (VCV003827798.2).